The following is an entry in ClinVar:

NM_012120.3(CD2AP):c.634C>T (p.Arg212Ter)

Gene: CD2AP (CD2 associated protein; plus strand). Cytogenetic location: 6p12.3.
Variant type: single nucleotide variant.
Coding change: c.634C>T on transcript NM_012120.3 (MANE Select); coding-DNA position 634, C replaced by T.
Protein change: p.Arg212Ter; replaces arginine 212 with a stop codon.
Molecular consequence: nonsense.
Genome position (GRCh38, 1-based): chr6:47,574,156, C>T. VCF-style: chr6-47574156-C-T. GRCh37 (hg19) VCF-style: chr6-47541892-C-T.
Other names: short protein forms R212*.
Identifiers: ClinVar variation 4985452 (VCV004985452.1).

ClinVar aggregate classification (germline): Pathogenic (1 of 4 stars; one submission).

Conditions:
CD2AP-related disorder. Also called: CD2AP-related condition.

gnomAD v4.1: 1 of 1,613,838 alleles (0.000062%); highest among the groups gnomAD compares: Non-Finnish European, 0.000085%; no homozygotes.

Submission:

PreventionGenetics, part of Exact Sciences
Classification: Pathogenic for CD2AP-related condition. Last evaluated: 2025-02-08. Review status: criteria provided, single submitter. Criteria: ACMG Guidelines, 2015. Collection method: clinical testing. Allele origin: germline.
Comment: The CD2AP c.634C>T variant is predicted to result in premature protein termination (p.Arg212*). This variant has been reported in the homozygous state in one patient with steroid-resistant nephrotic syndrome (SRNS) (Patient 4, Gribouval et al. 2018. PubMed ID: 30348286). This variant has not been reported in a large population database (gnomAD), indicating this variant is rare. Nonsense variants in CD2AP are expected to be pathogenic. This variant is interpreted as pathogenic.